The following is an entry in ClinVar:

NM_019842.4(KCNQ5):c.1887G>C (p.Gln629His)

Gene: KCNQ5 (potassium voltage-gated channel subfamily Q member 5; plus strand). Cytogenetic location: 6q13.
Variant type: single nucleotide variant.
Coding change: c.1887G>C on transcript NM_019842.4 (MANE Select); coding-DNA position 1887, G replaced by C.
Protein change: p.Gln629His; replaces glutamine 629 with histidine.
Molecular consequence: missense variant.
Genome position (GRCh38, 1-based): chr6:73,194,502, G>C. VCF-style: chr6-73194502-G-C. GRCh37 (hg19) VCF-style: chr6-73904225-G-C.
Other names: c.1860G>C, p.Gln620His (NM_001160130.2); c.1917G>C, p.Gln639His (NM_001160132.2); c.1944G>C, p.Gln648His (NM_001160133.2); c.1557G>C, p.Gln519His (NM_001160134.2); short protein forms Q519H, Q620H, Q629H, Q639H, Q648H.
Identifiers: ClinVar variation 2971876 (VCV002971876.3), dbSNP rs188281850, ClinGen allele CA364694286.

ClinVar aggregate classification (germline): Uncertain significance (1 of 4 stars; one submission).

Submission:

Labcorp Genetics (formerly Invitae), Labcorp
Classification: Uncertain significance. Last evaluated: 2023-02-19. Review status: criteria provided, single submitter. Criteria: Invitae Variant Classification Sherloc (09022015). Collection method: clinical testing. Allele origin: germline.
Comment: This sequence change replaces glutamine, which is neutral and polar, with histidine, which is basic and polar, at codon 648 of the KCNQ5 protein (p.Gln648His). In summary, the available evidence is currently insufficient to determine the role of this variant in disease. Therefore, it has been classified as a Variant of Uncertain Significance. Advanced modeling of protein sequence and biophysical properties (such as structural, functional, and spatial information, amino acid conservation, physicochemical variation, residue mobility, and thermodynamic stability) performed at Invitae indicates that this missense variant is not expected to disrupt KCNQ5 protein function. This variant has not been reported in the literature in individuals affected with KCNQ5-related conditions. This variant is not present in population databases (gnomAD no frequency).